The following is an entry in ClinVar:

NM_005477.3(HCN4):c.1703G>C (p.Ser568Thr)

Gene: HCN4 (hyperpolarization activated cyclic nucleotide gated potassium channel 4; minus strand). Cytogenetic location: 15q24.1.
Variant type: single nucleotide variant.
Coding change: c.1703G>C on transcript NM_005477.3 (MANE Select); coding-DNA position 1703, G replaced by C.
Protein change: p.Ser568Thr; replaces serine 568 with threonine.
Molecular consequence: missense variant.
Genome position (GRCh38, 1-based): chr15:73,325,332, C>G on the plus strand (G>C on the coding strand, the complement: HCN4 is on the minus strand). VCF-style: chr15-73325332-C-G. GRCh37 (hg19) VCF-style: chr15-73617673-C-G.
Other names: p.S568T:AGC>ACC; p.Ser568Thr; short protein forms S568T.
Identifiers: ClinVar variation 190770 (VCV000190770.33), dbSNP rs138714806, ClinGen allele CA235699.

ClinVar aggregate classification (germline): Benign/Likely benign. Review status: criteria provided, multiple submitters, no conflicts (2 of 4 stars). 13 submissions from 13 submitters: Benign (1); Likely benign (10). 2 of the submissions do not count toward it. Last evaluated 2026-02-03.

Conditions:
HCN4-related disorder. Also called: HCN4-related condition.
Cardiovascular phenotype. Identifiers: MedGen CN230736.
Sick sinus syndrome 2, autosomal dominant (SSS2). Also called: SINUS BRADYCARDIA SYNDROME, FAMILIAL, AUTOSOMAL DOMINANT; SINUS NODE DISEASE, FAMILIAL, AUTOSOMAL DOMINANT; ATRIAL FIBRILLATION WITH BRADYARRHYTHMIA; SICK SINUS SYNDROME 2; SICK SINUS SYNDROME 2 WITH OR WITHOUT CARDIAC NONCOMPACTION AND/OR ASCENDING AORTA DILATION. Identifiers: Orphanet 166282, MedGen C1834144, MONDO:0008102, OMIM 163800.
Brugada syndrome 8 (BRGDA8). Identifiers: Orphanet 130, MedGen C2751083, MONDO:0013148, OMIM 613123.

Allele frequency attached by ClinVar (database versions not stated): 1000 Genomes Project 30x 0.00016; 1000 Genomes Project 0.00020; gnomAD 0.00074 and 0.00076; TOPMed 0.00081; ESP Exome Variant Server 0.00108; ExAC 0.00109.
gnomAD v4.1: 2,297 of 1,614,070 alleles (0.14%); highest among the groups gnomAD compares: Non-Finnish European, 0.18%; no homozygotes.

Submissions (13):

Labcorp Genetics (formerly Invitae), Labcorp
Classification: Likely benign for Brugada syndrome 8. Last evaluated: 2026-02-03. Review status: criteria provided, single submitter. Criteria: Invitae Variant Classification Sherloc (09022015). Collection method: clinical testing. Allele origin: germline.

Mayo Clinic Laboratories, Mayo Clinic
Classification: Likely benign. Last evaluated: 2025-08-26. Review status: criteria provided, single submitter. Criteria: ACMG Guidelines, 2015. Collection method: clinical testing. Allele origin: germline. Observed: 2 variant alleles.
Comment: BS1, BS2_supporting

Molecular Diagnostic Laboratory for Inherited Cardiovascular Disease, Montreal Heart Institute
Classification: Likely benign. Last evaluated: 2025-04-09. Review status: criteria provided, single submitter. Criteria: ACMG Guidelines, 2015. Collection method: clinical testing. Allele origin: germline. Affected: no.

Blueprint Genetics
Classification: Likely benign. Last evaluated: 2024-11-14. Review status: criteria provided, single submitter. Criteria: ACMG Guidelines, 2015. Collection method: clinical testing. Allele origin: germline.

PreventionGenetics, part of Exact Sciences
Classification: Likely benign for HCN4-related condition. Last evaluated: 2024-10-15. Review status: criteria provided, single submitter. Criteria: ACMG Guidelines, 2015. Collection method: clinical testing. Allele origin: germline.
Comment: This variant is classified as likely benign based on ACMG/AMP sequence variant interpretation guidelines (Richards et al. 2015 PMID: 25741868, with internal and published modifications).

Women's Health and Genetics/Laboratory Corporation of America, LabCorp
Classification: Likely benign. Last evaluated: 2023-05-28. Review status: criteria provided, single submitter. Criteria: LabCorp Variant Classification Summary - May 2015. Collection method: clinical testing. Allele origin: germline.

GeneDx
Classification: Likely benign. Last evaluated: 2022-03-24. Review status: criteria provided, single submitter. Criteria: GeneDx Variant Classification Process June 2021. Collection method: clinical testing. Allele origin: germline. Affected: yes.
Comment: This variant is associated with the following publications: (PMID: 26350513)

Ambry Genetics
Classification: Likely benign for Cardiovascular phenotype. Last evaluated: 2019-06-12. Review status: criteria provided, single submitter. Criteria: Ambry Variant Classification Scheme 2023. Collection method: clinical testing. Allele origin: germline.

Illumina Laboratory Services, Illumina
Classification: Benign for Sick sinus syndrome 2, autosomal dominant. Last evaluated: 2018-01-12. Review status: criteria provided, single submitter. Criteria: ICSL Variant Classification Criteria 13 December 2019. Collection method: clinical testing. Allele origin: germline.
Comment: This variant was observed in the ICSL laboratory as part of a predisposition screen in an ostensibly healthy population. It had not been previously curated by ICSL or reported in the Human Gene Mutation Database (HGMD: prior to June 1st, 2018), and was therefore a candidate for classification through an automated scoring system. Utilizing variant allele frequency, disease prevalence and penetrance estimates, and inheritance mode, an automated score was calculated to assess if this variant is too frequent to cause the disease. Based on the score and internal cut-off values, a variant classified as benign is not then subjected to further curation. The score for this variant resulted in a classification of benign for this disease.

Eurofins Ntd Llc (ga)
Classification: Likely benign. Last evaluated: 2015-09-17. Review status: criteria provided, single submitter. Criteria: EGL Classification Definitions 2015. Collection method: clinical testing. Allele origin: germline. Observed: 2 variant alleles, 2 heterozygotes.

Breakthrough Genomics
Classification: Likely benign. Review status: criteria provided, single submitter. Criteria: ACMG Guidelines, 2015. Collection method: not provided. Allele origin: germline. Inheritance: Autosomal dominant inheritance. Affected: yes.

Clinical Genetics, Academic Medical Center
Classification: Likely benign. Review status: no assertion criteria provided. Collection method: clinical testing. Allele origin: germline. Affected: yes. Study: VKGL Data-share Consensus. Not counted in ClinVar's aggregate classification.

Genome Diagnostics Laboratory, University Medical Center Utrecht
Classification: Likely benign. Review status: no assertion criteria provided. Collection method: clinical testing. Allele origin: germline. Affected: yes. Study: VKGL Data-share Consensus. Not counted in ClinVar's aggregate classification.